The following is an entry in ClinVar:

NM_001035.3(RYR2):c.13420G>A (p.Glu4474Lys)

Gene: RYR2 (ryanodine receptor 2; plus strand). Cytogenetic location: 1q43.
Variant type: single nucleotide variant.
Coding change: c.13420G>A on transcript NM_001035.3 (MANE Select); coding-DNA position 13420, G replaced by A.
Protein change: p.Glu4474Lys; replaces glutamic acid 4474 with lysine.
Molecular consequence: missense variant.
Genome position (GRCh38, 1-based): chr1:237,788,079, G>A. VCF-style: chr1-237788079-G-A. GRCh37 (hg19) VCF-style: chr1-237951379-G-A.
Other names: short protein forms E4474K.
Identifiers: ClinVar variation 4758021 (VCV004758021.1).

ClinVar aggregate classification (germline): Uncertain significance (1 of 4 stars; one submission).

Conditions:
Cardiomyopathy (CMYO). Also called: Cardiomyopathies. Identifiers: Orphanet 167848, MedGen C0878544, MONDO:0004994, HP:0001638. Inheritance: Various modes of inheritance.

gnomAD v4.1: 1 of 1,612,556 alleles (0.000062%); highest among the groups gnomAD compares: East Asian, 0.0022%; no homozygotes.

Submission:

Color Diagnostics, LLC DBA Color Health
Classification: Uncertain significance for Cardiomyopathy. Last evaluated: 2025-09-09. Review status: criteria provided, single submitter. Criteria: ACMG Guidelines, 2015. Collection method: clinical testing. Allele origin: germline.
Comment: This missense variant replaces glutamic acid with lysine at codon 4474 of the RYR2 protein. Computational prediction is inconclusive regarding the impact of this variant on protein structure and function. To our knowledge, functional studies have not been reported for this variant. This variant has not been reported in individuals affected with RYR2-related disorders in the literature. This variant has not been identified in the general population by the Genome Aggregation Database (gnomAD). The available evidence is insufficient to determine the role of this variant in disease conclusively. Therefore, this variant is classified as a Variant of Uncertain Significance.